The following is an entry in ClinVar:

ClinVar aggregate classification (germline): Pathogenic/Likely pathogenic. Review status: criteria provided, multiple submitters, no conflicts (2 of 4 stars). 10 submissions from 10 submitters: Pathogenic (5); Likely pathogenic (2). 3 of the submissions do not count toward it. Last evaluated 2026-04-15.

Conditions:
Senior-Loken syndrome 8 (SLSN8). Identifiers: Orphanet 3156, MedGen C4225376, MONDO:0014579, OMIM 616307.
Asphyxiating thoracic dystrophy 5 (SRTD5). Also called: SHORT-RIB THORACIC DYSPLASIA 5 WITH OR WITHOUT POLYDACTYLY; SHORT-RIB THORACIC DYSPLASIA 5 WITHOUT POLYDACTYLY. Identifiers: Orphanet 474, MedGen C3280598, MONDO:0013717, OMIM 614376.
Cranioectodermal dysplasia 4 (CED4). Identifiers: Orphanet 1515, MedGen C3280616, MONDO:0013719, OMIM 614378.
Spermatogenic failure 72 (SPGF72). Identifiers: MedGen C5676980, MONDO:0030809, OMIM 619867.
Nephronophthisis 13 (NPHP13). Identifiers: Orphanet 655, MedGen C3280612, MONDO:0013718, OMIM 614377.
WDR19-related disorder. Also called: WDR19-related condition; WDR19-related disorders. Identifiers: MedGen CN380161.

Allele frequency attached by ClinVar (database versions not stated): ExAC 0.00002; gnomAD exomes 0.00002; gnomAD 0.00004; TOPMed 0.00004.
gnomAD v4.1: 33 of 1,599,250 alleles (0.0021%); highest among the groups gnomAD compares: African/African-American, 0.004%; no homozygotes.

Submissions (10):

Dasa
Classification: Pathogenic. Last evaluated: 2026-04-15. Review status: criteria provided, single submitter. Criteria: DASA Assertion Criteria. Collection method: clinical testing. Allele origin: germline.
Comment: NM_025132.4(WDR19):c.641T>A (p.Leu214*) introduces a premature termination codon predicted to result in loss of normal protein function. Loss-of-function is an established mechanism of disease for this gene. This variant has been observed in affected individuals with related phenotype in a genotype context consistent with recessive disease (PMID: 34295353). This variant has been reported in individuals with related phenotype (PMID: 34295353). The variant is present at low frequency in population datasets. Based on the available data, this variant is classified as pathogenic.

Labcorp Genetics (formerly Invitae), Labcorp
Classification: Pathogenic for Senior-Loken syndrome 8; Asphyxiating thoracic dystrophy 5. Last evaluated: 2025-02-07. Review status: criteria provided, single submitter. Criteria: Invitae Variant Classification Sherloc (09022015). Collection method: clinical testing. Allele origin: germline.
Comment: This sequence change creates a premature translational stop signal (p.Leu214*) in the WDR19 gene. It is expected to result in an absent or disrupted protein product. Loss-of-function variants in WDR19 are known to be pathogenic (PMID: 22019273, 23559409, 23683095, 26275793, 27241786, 29068549). This variant is present in population databases (rs751290509, gnomAD 0.003%). This premature translational stop signal has been observed in individual(s) with clinical features of WDR19-related conditions (PMID: 34295353). ClinVar contains an entry for this variant (Variation ID: 632439). For these reasons, this variant has been classified as Pathogenic.

Fulgent Genetics
Classification: Likely pathogenic for Asphyxiating thoracic dystrophy 5; Nephronophthisis 13; Cranioectodermal dysplasia 4; Senior-Loken syndrome 8; Spermatogenic failure 72. Last evaluated: 2024-04-30. Review status: criteria provided, single submitter. Criteria: ACMG Guidelines, 2015. Collection method: clinical testing. Allele origin: germline.

GeneDx
Classification: Pathogenic. Last evaluated: 2023-10-05. Review status: criteria provided, single submitter. Criteria: GeneDx Variant Classification Process June 2021. Collection method: clinical testing. Allele origin: germline. Affected: yes.
Comment: Identified in a patient with renal hypoplasia in the published literature (Wang et al., 2021); Nonsense variant predicted to result in protein truncation or nonsense mediated decay in a gene for which loss of function is a known mechanism of disease; This variant is associated with the following publications: (PMID: 34295353)

Mayo Clinic Laboratories, Mayo Clinic
Classification: Pathogenic. Last evaluated: 2023-08-23. Review status: criteria provided, single submitter. Criteria: ACMG Guidelines, 2015. Collection method: clinical testing. Allele origin: germline. Observed: 1 variant allele.
Comment: PM2, PS4_moderate, PVS1

Molecular Genetics, Royal Melbourne Hospital
Classification: Likely pathogenic for Cranioectodermal dysplasia 4. Last evaluated: 2022-04-22. Review status: criteria provided, single submitter. Criteria: ACMG Guidelines, 2015. Collection method: clinical testing. Allele origin: germline. Affected: yes.
Comment: This sequence change creates a premature termination codon at position 214 in exon 8 (of 37) of WDR19, p.(Leu214*). It is expected to result in nonsense-mediated decay in a gene where loss of function is an established mechanism of disease (PMID: 22019273). The variant is present in a large population cohort at a frequency of 0.002%, which is consistent with a recessive condition (rs751290509, 5/258,002 alleles, 0 homozygotes in gnomAD v2.1). The variant has been not been reported in the relevant medical literature and has been reported as likely pathogenic (ClinVar ID: 632439). Based on the classification scheme RMH ACMG Guidelines v1.2.1, this variant is classified as LIKELY PATHOGENIC. Following criteria are met: PVS1, PM2.

Blueprint Genetics
Classification: Pathogenic for WDR19-related disorders. Last evaluated: 2021-09-14. Review status: criteria provided, single submitter. Criteria: ACMG Guidelines, 2015. Collection method: clinical testing. Allele origin: germline. Affected: yes. Observed: 5 variant alleles.

Clinical Genetics, Academic Medical Center
Classification: Pathogenic. Review status: no assertion criteria provided. Collection method: clinical testing. Allele origin: germline. Affected: yes. Study: VKGL Data-share Consensus. Not counted in ClinVar's aggregate classification.

Genome Diagnostics Laboratory, University Medical Center Utrecht
Classification: Pathogenic. Review status: no assertion criteria provided. Collection method: clinical testing. Allele origin: germline. Affected: yes. Study: VKGL Data-share Consensus. Not counted in ClinVar's aggregate classification.

Joint Genome Diagnostic Labs from Nijmegen and Maastricht, Radboudumc and MUMC+
Classification: Pathogenic. Review status: no assertion criteria provided. Collection method: clinical testing. Allele origin: germline. Affected: yes. Study: VKGL Data-share Consensus. Not counted in ClinVar's aggregate classification.

Literature cited by the submitters: PubMed 34295353 (cited by 3 submitters); PubMed 22019273 (cited by Labcorp Genetics (formerly Invitae), Labcorp and Molecular Genetics, Royal Melbourne Hospital); PubMed 23559409 (cited by Labcorp Genetics (formerly Invitae), Labcorp); PubMed 23683095 (cited by Labcorp Genetics (formerly Invitae), Labcorp); PubMed 26275793 (cited by Labcorp Genetics (formerly Invitae), Labcorp); PubMed 27241786 (cited by Labcorp Genetics (formerly Invitae), Labcorp); PubMed 29068549 (cited by Labcorp Genetics (formerly Invitae), Labcorp); PubMed 31964843 (cited by Mayo Clinic Laboratories, Mayo Clinic); PubMed 36227438 (cited by Mayo Clinic Laboratories, Mayo Clinic).

NM_025132.4(WDR19):c.641T>A (p.Leu214Ter)

Gene: WDR19 (WD repeat domain 19; plus strand). Cytogenetic location: 4p14.
Variant type: single nucleotide variant.
Coding change: c.641T>A on transcript NM_025132.4 (MANE Select); coding-DNA position 641, T replaced by A.
Protein change: p.Leu214Ter; replaces leucine 214 with a stop codon.
Molecular consequence: nonsense.
Genome position (GRCh38, 1-based): chr4:39,205,191, T>A. VCF-style: chr4-39205191-T-A. GRCh37 (hg19) VCF-style: chr4-39206811-T-A.
Other names: p.Leu214*; c.161T>A, p.Leu54Ter (NM_001317924.2); short protein forms L214*, L54*.
Identifiers: ClinVar variation 632439 (VCV000632439.24), dbSNP rs751290509, ClinGen allele CA2891673.
Genomic context (GRCh38, chr4:39,205,191, plus strand): 5'-AATCTCCTAATCTTTTCTGGCAGATAAGTGTGGTGCTTGGCAAGAAAACTTTGTTTTTTT[T>A]AAATCTGAATGAACCAGATAACCCAGCTGATCTTGAATTTCAGCAGGACTTTGGCAACAT-3'